The following is an entry in ClinVar:

ClinVar aggregate classification (germline): Uncertain significance. Review status: criteria provided, single submitter (1 of 4 stars). 2 submissions from 2 submitters: Uncertain significance (1). 1 of the submissions does not count toward it. Last evaluated 2024-11-27.

Conditions:
RASopathy. Also called: rasopathies; Noonan spectrum disorder. Identifiers: Orphanet 536391, MedGen C5555857, MONDO:0021060.
Noonan syndrome (NS). Also called: Noonan's syndrome. Identifiers: Orphanet 648, MedGen C0028326, MeSH D009634, MONDO:0018997. Disease mechanism: gain of function.

Allele frequency attached by ClinVar (database versions not stated): gnomAD exomes below 0.00001.
gnomAD v4.1: 2 of 1,613,910 alleles (0.00012%); highest among the groups gnomAD compares: Middle Eastern, 0.017%; no homozygotes.

Submissions (2):

Labcorp Genetics (formerly Invitae), Labcorp
Classification: Uncertain significance for RASopathy. Last evaluated: 2024-11-27. Review status: criteria provided, single submitter. Criteria: Invitae Variant Classification Sherloc (09022015). Collection method: clinical testing. Allele origin: germline.
Comment: This sequence change replaces arginine, which is basic and polar, with lysine, which is basic and polar, at codon 291 of the MAP2K1 protein (p.Arg291Lys). This variant is not present in population databases (gnomAD no frequency). This variant has not been reported in the literature in individuals affected with MAP2K1-related conditions. ClinVar contains an entry for this variant (Variation ID: 666421). Invitae Evidence Modeling of protein sequence and biophysical properties (such as structural, functional, and spatial information, amino acid conservation, physicochemical variation, residue mobility, and thermodynamic stability) indicates that this missense variant is not expected to disrupt MAP2K1 protein function with a negative predictive value of 95%. In summary, the available evidence is currently insufficient to determine the role of this variant in disease. Therefore, it has been classified as a Variant of Uncertain Significance.

Service de Génétique Moléculaire, Hôpital Robert Debré
Classification: Likely benign for Noonan syndrome. Review status: no assertion criteria provided. Collection method: clinical testing. Allele origin: paternal. Affected: yes. Not counted in ClinVar's aggregate classification.

NM_002755.4(MAP2K1):c.872G>A (p.Arg291Lys)

Gene: MAP2K1 (mitogen-activated protein kinase kinase 1; plus strand). Cytogenetic location: 15q22.31.
Variant type: single nucleotide variant.
Coding change: c.872G>A on transcript NM_002755.4 (MANE Select); coding-DNA position 872, G replaced by A.
Protein change: p.Arg291Lys; replaces arginine 291 with lysine.
Molecular consequence: missense variant.
Genome position (GRCh38, 1-based): chr15:66,485,168, G>A. VCF-style: chr15-66485168-G-A. GRCh37 (hg19) VCF-style: chr15-66777506-G-A.
Other names: short protein forms R291K.
Identifiers: ClinVar variation 666421 (VCV000666421.3), dbSNP rs1595886354, ClinGen allele CA392937398.
Genomic context (GRCh38, chr15:66,485,168, plus strand): 5'-TGGAGCTGATGTTTGGGTGCCAGGTGGAAGGAGATGCGGCTGAGACCCCACCCAGGCCAA[G>A]GACCCCCGGGAGGCCCCTTAGCTGTGAGTAGCCTGGTGTGTCCCCATCTTGGACTGTTGG-3'
Protein context (NP_002746.1, residues 281-301): GDAAETPPRP[Arg291Lys]TPGRPLSSYG